The following is an entry in ClinVar:

ClinVar aggregate classification (germline): Conflicting classifications of pathogenicity. Review status: criteria provided, conflicting classifications (1 of 4 stars). 14 submissions from 14 submitters: Uncertain significance (7); Benign (1); Likely benign (4). 2 of the submissions do not count toward it. Last evaluated 2026-08-13.

Conditions:
APC-related disorder. Also called: APC-related condition.
Classic or attenuated familial adenomatous polyposis. Identifiers: MedGen CN372698, MONDO:0021057.
Hereditary cancer. Identifiers: MedGen C1333600.
Hereditary cancer-predisposing syndrome. Also called: Neoplastic Syndromes, Hereditary; Tumor predisposition; Hereditary Cancer Syndrome; Hereditary neoplastic syndrome. Identifiers: Orphanet 140162, MedGen C0027672, MeSH D009386, MONDO:0015356.
Familial adenomatous polyposis 1 (FAP1). Also called: FAMILIAL ADENOMATOUS POLYPOSIS 1, ATTENUATED; POLYPOSIS, ADENOMATOUS INTESTINAL. Identifiers: MedGen C2713442, MONDO:0021056, OMIM 175100. Disease mechanism: loss of function.
Carcinoma of colon (CRC). Also called: Colon carcinoma; Colonic carcinoma. Identifiers: MedGen C0699790, MONDO:0002032.

Allele frequency attached by ClinVar (database versions not stated): gnomAD 0.00001; gnomAD exomes 0.00001 and 0.00002; ExAC 0.00003; TOPMed 0.00007.
gnomAD v4.1: 24 of 1,613,990 alleles (0.0015%); highest among the groups gnomAD compares: Admixed American, 0.013%; no homozygotes.

Submissions (14):

PreventionGenetics, part of Exact Sciences
Classification: Uncertain significance for APC-related condition. Last evaluated: 2026-08-13. Review status: criteria provided, single submitter. Criteria: ACMG Guidelines, 2015. Collection method: clinical testing. Allele origin: germline.
Comment: The APC c.5017G>A variant is predicted to result in the amino acid substitution p.Glu1673Lys. This variant has been reported in individuals with breast and/or ovarian cancer (Supp. Table 3, de Oliveira et al. 2022. PubMed ID: 35534704; Cock-Rada et al. 2018. PubMed ID: 28528518). This variant is reported in 0.0087% of alleles in individuals of Latino descent in gnomAD and is interpreted as uncertain, likely benign or benign in ClinVar (Variation ID: 127301). At this time, the clinical significance of this variant is uncertain due to the absence of conclusive functional and genetic evidence.

Center for Genomic Medicine, Rigshospitalet, Copenhagen University Hospital
Classification: Likely benign. Last evaluated: 2025-12-29. Review status: criteria provided, single submitter. Criteria: ACMG Guidelines, 2015. Collection method: clinical testing. Allele origin: germline.
Comment: Classification criteria: BP1_supporting, BS1_strong

Labcorp Genetics (formerly Invitae), Labcorp
Classification: Benign for Familial adenomatous polyposis 1. Last evaluated: 2025-12-29. Review status: criteria provided, single submitter. Criteria: Invitae Variant Classification Sherloc (09022015). Collection method: clinical testing. Allele origin: germline.

Quest Diagnostics Nichols Institute San Juan Capistrano
Classification: Uncertain significance. Last evaluated: 2025-06-27. Review status: criteria provided, single submitter. Criteria: Quest Diagnostics criteria. Collection method: clinical testing. Allele origin: unknown.
Comment: The APC c.5017G>A (p.Glu1673Lys) variant has been reported in the published literature in individuals with breast and/or ovarian cancer (PMID: 28528518 (2017), 35534704 (2022)). This variant has also been identified in a reportedly unaffected individual (PMID: 35534704 (2022)). The frequency of this variant in the general population (Genome Aggregation Database) is higher than would generally be expected for pathogenic variants in this gene. Analysis of this variant using bioinformatics tools for the prediction of the effect of amino acid changes on protein structure and function yielded predictions that this variant is benign. Based on the available information, we are unable to determine the clinical significance of this variant.

GeneDx
Classification: Uncertain significance. Last evaluated: 2024-10-21. Review status: criteria provided, single submitter. Criteria: GeneDx Variant Classification Process June 2021. Collection method: clinical testing. Allele origin: germline. Affected: yes.
Comment: In silico analysis indicates that this missense variant does not alter protein structure/function; Observed in individuals with breast and/or ovarian cancer (PMID: 28528518, 35534704); This variant is associated with the following publications: (PMID: 25257991, 25925381, 35534704, 28528518, 18199528)

Blueprint Genetics
Classification: Likely benign. Last evaluated: 2024-09-06. Review status: criteria provided, single submitter. Criteria: ACMG Guidelines, 2015. Collection method: clinical testing. Allele origin: germline.

All of Us Research Program, National Institutes of Health
Classification: Uncertain significance for Classic or attenuated familial adenomatous polyposis. Last evaluated: 2024-06-17. Review status: criteria provided, single submitter. Criteria: ACMG Guidelines, 2015. Collection method: clinical testing. Allele origin: germline. Inheritance: Autosomal dominant inheritance. Observed: 11 variant alleles, 11 heterozygotes.
Comment: This missense variant replaces glutamic acid with lysine at codon 1673 of the APC protein. Computational prediction suggests that this variant may not impact protein structure and function (internally defined REVEL score threshold <= 0.5, PMID: 27666373). To our knowledge, functional studies have not been reported for this variant. This variant has not been reported in individuals affected with hereditary cancer in the literature. This variant has been identified in 6/250204 chromosomes in the general population by the Genome Aggregation Database (gnomAD). The available evidence is insufficient to determine the role of this variant in disease conclusively. Therefore, this variant is classified as a Variant of Uncertain Significance.

This study involves interpretation of variants in research participants for the purpose of population health screening. Participant phenotype was not available at the time of variant classification. Additional details can be found in publication PMID: 35346344, PMCID: PMC8962531

Color Diagnostics, LLC DBA Color Health
Classification: Uncertain significance for Hereditary cancer-predisposing syndrome. Last evaluated: 2024-06-04. Review status: criteria provided, single submitter. Criteria: ACMG Guidelines, 2015. Collection method: clinical testing. Allele origin: germline.
Comment: This missense variant replaces glutamic acid with lysine at codon 1673 of the APC protein. Computational prediction suggests that this variant may not impact protein structure and function (internally defined REVEL score threshold <= 0.5, PMID: 27666373). To our knowledge, functional studies have not been reported for this variant. This variant has not been reported in individuals affected with APC-related disorders. This variant has been identified in 6/250204 chromosomes in the general population by the Genome Aggregation Database (gnomAD). The available evidence is insufficient to determine the role of this variant in disease conclusively. Therefore, this variant is classified as a Variant of Uncertain Significance.

Mendelics
Classification: Likely benign for Hereditary cancer. Last evaluated: 2024-01-23. Review status: criteria provided, single submitter. Criteria: ACMG Guidelines, 2015. Collection method: clinical testing. Allele origin: unknown.

Myriad Genetics, Inc.
Classification: Uncertain significance for Familial adenomatous polyposis 1. Last evaluated: 2023-02-22. Review status: criteria provided, single submitter. Criteria: Myriad Autosomal Dominant, Autosomal Recessive and X-Linked Classification Criteria (2023). Collection method: clinical testing. Allele origin: unknown.
Comment: This variant is classified as a variant of uncertain significance as there is insufficient evidence to determine its impact on protein function and/or cancer risk.

Sema4
Classification: Uncertain significance for Hereditary cancer-predisposing syndrome. Last evaluated: 2022-02-05. Review status: criteria provided, single submitter. Criteria: Sema4 Curation Guidelines. Collection method: curation. Allele origin: germline.
Comment: The APC c.5017G>A (p.E1673K) variant has not been reported in the literature to our knowledge. It was observed in 6/250204 chromosomes across all populations in the large and broad cohorts of the Genome Aggregation Database (PMID: 32461654). This variant has been reported in ClinVar (Variation ID 127301). Functional studies have not been performed, and in silico predictions of the variant's effect on protein function are inconclusive. The evidence is insufficient to meet ACMG/AMP criteria for classifying the variant as benign or pathogenic. Thus, the clinical significance of this variant is currently uncertain.

Ambry Genetics
Classification: Likely benign for Hereditary cancer-predisposing syndrome. Last evaluated: 2020-08-07. Review status: criteria provided, single submitter. Criteria: Ambry Variant Classification Scheme 2023. Collection method: clinical testing. Allele origin: germline.

Counsyl
Classification: Uncertain significance for Familial adenomatous polyposis 1. Last evaluated: 2015-12-18. Review status: no assertion criteria provided. Collection method: clinical testing. Allele origin: unknown. Not counted in ClinVar's aggregate classification.

Department of Pathology and Laboratory Medicine, Sinai Health System
Classification: Uncertain significance for Carcinoma of colon. Review status: no assertion criteria provided. Collection method: clinical testing. Allele origin: unknown. Affected: yes. Study: The Canadian Open Genetics Repository (COGR). Not counted in ClinVar's aggregate classification.
Comment: The APC p.Glu1673Lys variant was identified in 2 of 226 proband chromosomes (frequency: 0.009) from individuals or families with breast cancer, ovarian cancer or T-cell lymphoma (Cock-Rada 2018, Schatz 2015). The variant was also identified in dbSNP (ID: rs587779796 as "With Pathogenic, Uncertain significance allele") and ClinVar (5x as uncertain significance by GeneDx, Ambry Genetics, Counsyl, Invitae, and Color Genomics). The variant was not identified in the COGR, Cosmic, MutDB, LOVD 3.0, UMD-LSDB, or Zhejiang University database. The variant was identified in control databases in 6 of 244982 chromosomes at a frequency of 0.00002 (Genome Aggregation Database Feb 27, 2017). The variant was observed in the following populations: Latino in 3 of 33530 chromosomes (freq: 0.00009), European in 3 of 110694 chromosomes (freq: 0.00003); it was not observed in the African, Other, Ashkenazi Jewish, East Asian, Finnish, or South Asian populations. The p.Glu1673 residue is not conserved in mammals and 4 of 5 computational analyses (PolyPhen-2, SIFT, AlignGVGD, BLOSUM, MutationTaster) do not suggest a high likelihood of impact to the protein; however, this information is not predictive enough to rule out pathogenicity. The variant occurs outside of the splicing consensus sequence and in silico or computational prediction software programs (SpliceSiteFinder, MaxEntScan, NNSPLICE, GeneSplicer) do not predict a difference in splicing. In summary, based on the above information the clinical significance of this variant cannot be determined with certainty at this time. This variant is classified as a variant of uncertain significance.

Literature cited by the submitters: PubMed 35534704 (cited by Center for Genomic Medicine, Rigshospitalet, Copenhagen University Hospital and Quest Diagnostics Nichols Institute San Juan Capistrano); PubMed 25925381 (cited by Quest Diagnostics Nichols Institute San Juan Capistrano); PubMed 28528518 (cited by Quest Diagnostics Nichols Institute San Juan Capistrano and Ambry Genetics); PubMed 25257991 (cited by Quest Diagnostics Nichols Institute San Juan Capistrano).

NM_000038.6(APC):c.5017G>A (p.Glu1673Lys)

Gene: APC (APC regulator of Wnt signaling pathway; plus strand). Cytogenetic location: 5q22.2.
Variant type: single nucleotide variant.
Coding change: c.5017G>A on transcript NM_000038.6 (MANE Select); coding-DNA position 5017, G replaced by A.
Protein change: p.Glu1673Lys; replaces glutamic acid 1673 with lysine.
Molecular consequence: missense variant.
Genome position (GRCh38, 1-based): chr5:112,840,611, G>A. VCF-style: chr5-112840611-G-A. GRCh37 (hg19) VCF-style: chr5-112176308-G-A.
Other names: p.E1673K:GAA>AAA; c.5017G>A, p.Glu1673Lys (NM_001127510.3, NM_001354895.2); c.4963G>A, p.Glu1655Lys (NM_001127511.3); c.5071G>A, p.Glu1691Lys (NM_001354896.2); c.5047G>A, p.Glu1683Lys (NM_001354897.2); c.4942G>A, p.Glu1648Lys (NM_001354898.2); c.4933G>A, p.Glu1645Lys (NM_001354899.2); c.4894G>A, p.Glu1632Lys (NM_001354900.2); and 6 more; short protein forms E1673K, E1655K, E1513K, E1582K, E1614K, E1645K, E1390K, E1572K.
Identifiers: ClinVar variation 127301 (VCV000127301.47), dbSNP rs587779796, ClinGen allele CA009832.